The following is an entry in ClinVar:

ClinVar aggregate classification (germline): Conflicting classifications of pathogenicity. Review status: criteria provided, conflicting classifications (1 of 4 stars). 2 submissions from 2 submitters: Uncertain significance (1); Likely benign (1). Last evaluated 2021-01-12.

Allele frequency attached by ClinVar (database versions not stated): gnomAD exomes below 0.00001.
gnomAD v4.1: 2 of 1,613,606 alleles (0.00012%); highest among the groups gnomAD compares: East Asian, 0.0022%; no homozygotes.

Submissions (2):

GeneDx
Classification: Uncertain significance. Last evaluated: 2021-01-12. Review status: criteria provided, single submitter. Criteria: GeneDx Variant Classification Process June 2021. Collection method: clinical testing. Allele origin: germline. Affected: yes.
Comment: In silico analysis supports that this missense variant has a deleterious effect on protein structure/function; Has not been previously published as pathogenic or benign to our knowledge

Genetic Services Laboratory, University of Chicago
Classification: Likely benign. Last evaluated: 2016-11-16. Review status: criteria provided, single submitter. Criteria: ACMG Guidelines, 2015. Collection method: clinical testing. Allele origin: germline. Affected: no.

NM_002168.4(IDH2):c.695C>T (p.Ala232Val)

Gene: IDH2 (isocitrate dehydrogenase (NADP(+)) 2; minus strand). Cytogenetic location: 15q26.1.
Variant type: single nucleotide variant.
Coding change: c.695C>T on transcript NM_002168.4 (MANE Select); coding-DNA position 695, C replaced by T.
Protein change: p.Ala232Val; replaces alanine 232 with valine.
Molecular consequence: missense variant.
Genome position (GRCh38, 1-based): chr15:90,087,559, G>A on the plus strand (C>T on the coding strand, the complement: IDH2 is on the minus strand). VCF-style: chr15-90087559-G-A. GRCh37 (hg19) VCF-style: chr15-90630791-G-A.
Other names: c.539C>T, p.Ala180Val (NM_001289910.1); c.305C>T, p.Ala102Val (NM_001290114.2); c.695C>T (NM_002168.2); short protein forms A180V, A232V, A102V.
Identifiers: ClinVar variation 435490 (VCV000435490.8), dbSNP rs1227626398, ClinGen allele CA393801821.